The following is an entry in ClinVar:

NM_020117.11(LARS1):c.2094C>T (p.Asp698=)

Gene: LARS1 (leucyl-tRNA synthetase 1; minus strand). Cytogenetic location: 5q32.
Variant type: single nucleotide variant.
Coding change: c.2094C>T on transcript NM_020117.11 (MANE Select); coding-DNA position 2094, C replaced by T.
Protein change: p.Asp698=; no amino-acid change (aspartic acid 698 retained).
Molecular consequence: synonymous variant.
Genome position (GRCh38, 1-based): chr5:146,140,258, G>A on the plus strand (C>T on the coding strand, the complement: LARS1 is on the minus strand). VCF-style: chr5-146140258-G-A. GRCh37 (hg19) VCF-style: chr5-145519821-G-A.
Other names: p.D698D:GAC>GAT; c.1956C>T, p.Asp652= (NM_001317964.2); c.1932C>T, p.Asp644= (NM_001317965.2); c.2013C>T, p.Asp671= (NM_016460.4).
Identifiers: ClinVar variation 138087 (VCV000138087.9), dbSNP rs17493851, ClinGen allele CA291886.

ClinVar aggregate classification (germline): Benign. Review status: criteria provided, multiple submitters, no conflicts (2 of 4 stars). 2 submissions from 2 submitters: Benign (2). Last evaluated 2026-02-04.

Allele frequency attached by ClinVar (database versions not stated): 1000 Genomes Project 30x 0.18067; gnomAD 0.22623; gnomAD exomes 0.27378; 1000 Genomes Project 0.18171; ESP Exome Variant Server 0.20475; ExAC 0.26454; TOPMed 0.22135.
gnomAD v4.1: 433,653 of 1,596,280 alleles (27%); highest among the groups gnomAD compares: Admixed American, 42%; 63,622 homozygotes.

Submissions (2):

Labcorp Genetics (formerly Invitae), Labcorp
Classification: Benign. Last evaluated: 2026-02-04. Review status: criteria provided, single submitter. Criteria: Invitae Variant Classification Sherloc (09022015). Collection method: clinical testing. Allele origin: germline.

GeneDx
Classification: Benign. Last evaluated: 2013-08-29. Review status: criteria provided, single submitter. Criteria: GeneDx Variant Classification (06012015). Collection method: clinical testing. Allele origin: germline. Affected: yes.
Comment: This variant is considered likely benign or benign based on one or more of the following criteria: it is a conservative change, it occurs at a poorly conserved position in the protein, it is predicted to be benign by multiple in silico algorithms, and/or has population frequency not consistent with disease.